The following is an entry in ClinVar:

NM_001943.5(DSG2):c.928T>G (p.Phe310Val)

Gene: DSG2 (desmoglein 2; plus strand). Cytogenetic location: 18q12.1.
Variant type: single nucleotide variant.
Coding change: c.928T>G on transcript NM_001943.5 (MANE Select); coding-DNA position 928, T replaced by G.
Protein change: p.Phe310Val; replaces phenylalanine 310 with valine.
Molecular consequence: missense variant.
Genome position (GRCh38, 1-based): chr18:31,524,802, T>G. VCF-style: chr18-31524802-T-G. GRCh37 (hg19) VCF-style: chr18-29104765-T-G.
Other names: c.928T>G (LRG_397t1); short protein forms F310V.
Identifiers: ClinVar variation 452049 (VCV000452049.3), dbSNP rs1555671479, ClinGen allele CA402135685.

ClinVar aggregate classification (germline): Uncertain significance. Review status: criteria provided, multiple submitters, no conflicts (2 of 4 stars). 2 submissions from 2 submitters: Uncertain significance (2). Last evaluated 2025-07-07.

Conditions:
Cardiomyopathy (CMYO). Also called: Cardiomyopathies. Identifiers: Orphanet 167848, MedGen C0878544, MONDO:0004994, HP:0001638. Inheritance: Various modes of inheritance.

Submissions (2):

Color Diagnostics, LLC DBA Color Health
Classification: Uncertain significance for Cardiomyopathy. Last evaluated: 2025-07-07. Review status: criteria provided, single submitter. Criteria: ACMG Guidelines, 2015. Collection method: clinical testing. Allele origin: germline.
Comment: This missense variant replaces phenylalanine with valine at codon 310 of the DSG2 protein. Computational prediction is inconclusive regarding the impact of this variant on protein structure and function. To our knowledge, functional studies have not been reported for this variant. This variant has not been reported in individuals affected with DSG2-related disorders in the literature. This variant has not been identified in the general population by the Genome Aggregation Database (gnomAD). The available evidence is insufficient to determine the role of this variant in disease conclusively. Therefore, this variant is classified as a Variant of Uncertain Significance.

GeneDx
Classification: Uncertain significance. Last evaluated: 2017-09-13. Review status: criteria provided, single submitter. Criteria: GeneDx Variant Classification (06012015). Collection method: clinical testing. Allele origin: germline. Affected: yes.
Comment: A variant of uncertain significance has been identified in the DSG2 gene. The F310V variant has not been published as pathogenic or been reported as benign to our knowledge. This variant is also not observed in large population cohorts (Lek et al., 2016; 1000 Genomes Consortium et al., 2015; Exome Variant Server). The F310V variant is a semi-conservative amino acid substitution, which may impact secondary protein structure as these residues differ in some properties. Additionally, this substitution occurs at a position that is conserved across species and in silico analysis predicts this variant is probably damaging to the protein structure/function. Nevertheless, this variant has not been observed in a significant number of affected individuals, and it lacks both segregation and functional studies which would further clarify its pathogenicity.